The following is an entry in ClinVar:

NM_016239.4(MYO15A):c.8019del (p.His2674fs)

Gene: MYO15A (myosin XVA; plus strand). Cytogenetic location: 17p11.2.
Variant type: Deletion.
Coding change: c.8019del on transcript NM_016239.4 (MANE Select); coding-DNA position 8019, one base deleted (G; older notation c.8019delG).
Protein change: p.His2674fs; shifts the reading frame from histidine 2674.
Molecular consequence: frameshift variant.
Genome position (GRCh38, 1-based): chr17:18,153,827, G deleted. VCF-style (leftmost placement, unchanged base first): chr17-18153826-TG-T. GRCh37 (hg19) VCF-style: chr17-18057140-TG-T.
Other names: short protein forms H2674fs.
Identifiers: ClinVar variation 1223726 (VCV001223726.8), dbSNP rs1182951086, ClinGen allele CA726649877.

ClinVar aggregate classification (germline): Pathogenic. Review status: criteria provided, multiple submitters, no conflicts (2 of 4 stars). 2 submissions from 2 submitters: Pathogenic (2). Last evaluated 2024-10-29.

Allele frequency attached by ClinVar (database versions not stated): gnomAD exomes below 0.00001; gnomAD 0.00001; TOPMed 0.00001.

Submissions (2):

GeneDx
Classification: Pathogenic. Last evaluated: 2024-10-29. Review status: criteria provided, single submitter. Criteria: GeneDx Variant Classification Process June 2021. Collection method: clinical testing. Allele origin: germline. Affected: yes.
Comment: Frameshift variant predicted to result in protein truncation or nonsense mediated decay in a gene for which loss of function is a known mechanism of disease; Not observed at significant frequency in large population cohorts (gnomAD); This variant is associated with the following publications: (PMID: 37996878)

Labcorp Genetics (formerly Invitae), Labcorp
Classification: Pathogenic. Last evaluated: 2023-12-18. Review status: criteria provided, single submitter. Criteria: Invitae Variant Classification Sherloc (09022015). Collection method: clinical testing. Allele origin: germline.
Comment: This sequence change creates a premature translational stop signal (p.His2674Thrfs*64) in the MYO15A gene. It is expected to result in an absent or disrupted protein product. Loss-of-function variants in MYO15A are known to be pathogenic (PMID: 17546645). This variant is not present in population databases (gnomAD no frequency). This variant has not been reported in the literature in individuals affected with MYO15A-related conditions. ClinVar contains an entry for this variant (Variation ID: 1223726). For these reasons, this variant has been classified as Pathogenic.

Literature cited by the submitters: PubMed 17546645 (cited by Labcorp Genetics (formerly Invitae), Labcorp).